The following is an entry in ClinVar:

NM_000091.5(COL4A3):c.3374G>C (p.Gly1125Ala)

Genes: COL4A3 (collagen type IV alpha 3 chain; plus strand), MFF-DT (MFF divergent transcript; minus strand). Cytogenetic location: 2q36.3.
Variant type: single nucleotide variant.
Coding change: c.3374G>C on transcript NM_000091.5 (MANE Select); coding-DNA position 3374, G replaced by C.
Protein change: p.Gly1125Ala; replaces glycine 1125 with alanine.
Molecular consequence: missense variant.
Genome position (GRCh38, 1-based): chr2:227,294,526, G>C. VCF-style: chr2-227294526-G-C. GRCh37 (hg19) VCF-style: chr2-228159242-G-C.
Other names: short protein forms G1125A.
Identifiers: ClinVar variation 4817251 (VCV004817251.1).

ClinVar aggregate classification (germline): Likely pathogenic (1 of 4 stars; one submission).

Conditions:
Alport syndrome. Also called: Hemorrhagic familial nephritis; Hemorrhagic hereditary nephritis; Congenital hereditary hematuria. Identifiers: Orphanet 63, MedGen C1567741, MONDO:0018965.

Submission:

Natera, Inc.
Classification: Likely pathogenic for Alport syndrome. Last evaluated: 2025-08-21. Review status: criteria provided, single submitter. Criteria: Natera Variant Classification Schema (03/2026). Collection method: clinical testing. Allele origin: germline.
Comment: The c.3374G>C variant in COL4A3 is a missense variant predicted to cause substitution of glycine to alanine at amino acid 1125. This variant is rare in the general population with a frequency below the threshold expected for the associated phenotype(s). This variant is located in a functionally critical region of the protein. Computational prediction algorithms indicate this variant is likely to affect gene or protein function. Given the available evidence, this variant is classified as Likely Pathogenic.